The following is an entry in ClinVar:

NM_004369.4(COL6A3):c.5231C>T (p.Pro1744Leu)

Gene: COL6A3 (collagen type VI alpha 3 chain; minus strand). Cytogenetic location: 2q37.3.
Variant type: single nucleotide variant.
Coding change: c.5231C>T on transcript NM_004369.4 (MANE Select); coding-DNA position 5231, C replaced by T.
Protein change: p.Pro1744Leu; replaces proline 1744 with leucine.
Molecular consequence: missense variant.
Genome position (GRCh38, 1-based): chr2:237,366,956, G>A on the plus strand (C>T on the coding strand, the complement: COL6A3 is on the minus strand). VCF-style: chr2-237366956-G-A. GRCh37 (hg19) VCF-style: chr2-238275599-G-A.
Other names: c.3410C>T, p.Pro1137Leu (NM_057166.5); c.4613C>T, p.Pro1538Leu (NM_057167.4); short protein forms P1137L, P1538L, P1744L.
Identifiers: ClinVar variation 1714752 (VCV001714752.8), dbSNP rs2469883642, ClinGen allele CA351187912.

ClinVar aggregate classification (germline): Uncertain significance. Review status: criteria provided, multiple submitters, no conflicts (2 of 4 stars). 2 submissions from 2 submitters: Uncertain significance (2). Last evaluated 2025-07-04.

Conditions:
Bethlem myopathy 1A. Also called: MYOPATHY, BENIGN CONGENITAL, WITH CONTRACTURES; Bethlem myopathy 1; Bethlem Muscular Dystrophy. Identifiers: Orphanet 610, MedGen CN029274, MONDO:0024530, OMIM 158810.

Submissions (2):

Dasa
Classification: Uncertain significance. Last evaluated: 2025-07-04. Review status: criteria provided, single submitter. Criteria: DASA Assertion Criteria. Collection method: clinical testing. Allele origin: germline.
Comment: NM_004369.4(COL6A3):c.5231C>T (p.Pro1744Leu) is a missense variant that results in the substitution of proline with leucine. This variant is absent from population databases. Computational prediction algorithms are consistent with a deleterious effect. The currently available literature and clinical evidence are not sufficient to establish a definitive association between this variant and the reported condition. Therefore, this variant is classified as a variant of uncertain significance.

Labcorp Genetics (formerly Invitae), Labcorp
Classification: Uncertain significance for Bethlem myopathy 1A. Last evaluated: 2022-08-01. Review status: criteria provided, single submitter. Criteria: Invitae Variant Classification Sherloc (09022015). Collection method: clinical testing. Allele origin: germline.
Comment: In summary, the available evidence is currently insufficient to determine the role of this variant in disease. Therefore, it has been classified as a Variant of Uncertain Significance. Advanced modeling of protein sequence and biophysical properties (such as structural, functional, and spatial information, amino acid conservation, physicochemical variation, residue mobility, and thermodynamic stability) performed at Invitae indicates that this missense variant is not expected to disrupt COL6A3 protein function. This variant has not been reported in the literature in individuals affected with COL6A3-related conditions. This variant is not present in population databases (gnomAD no frequency). This sequence change replaces proline, which is neutral and non-polar, with leucine, which is neutral and non-polar, at codon 1744 of the COL6A3 protein (p.Pro1744Leu).